The following is an entry in ClinVar:

ClinVar aggregate classification (germline): Uncertain significance. Review status: criteria provided, multiple submitters, no conflicts (2 of 4 stars). 2 submissions from 2 submitters: Uncertain significance (2). Last evaluated 2025-03-31.

Conditions:
Hypertrophic cardiomyopathy 14. Identifiers: MedGen C2750467, MONDO:0013197, OMIM 613251.

Submissions (2):

Labcorp Genetics (formerly Invitae), Labcorp
Classification: Uncertain significance for Hypertrophic cardiomyopathy 14. Last evaluated: 2025-03-31. Review status: criteria provided, single submitter. Criteria: Invitae Variant Classification Sherloc (09022015). Collection method: clinical testing. Allele origin: germline.
Comment: This sequence change replaces histidine, which is basic and polar, with proline, which is neutral and non-polar, at codon 653 of the MYH6 protein (p.His653Pro). This variant is not present in population databases (gnomAD no frequency). This variant has not been reported in the literature in individuals affected with MYH6-related conditions. ClinVar contains an entry for this variant (Variation ID: 854525). Invitae Evidence Modeling of protein sequence and biophysical properties (such as structural, functional, and spatial information, amino acid conservation, physicochemical variation, residue mobility, and thermodynamic stability) has been performed for this missense variant. However, the output from this modeling did not meet the statistical confidence thresholds required to predict the impact of this variant on MYH6 protein function. In summary, the available evidence is currently insufficient to determine the role of this variant in disease. Therefore, it has been classified as a Variant of Uncertain Significance.

Women's Health and Genetics/Laboratory Corporation of America, LabCorp
Classification: Uncertain significance. Last evaluated: 2024-11-11. Review status: criteria provided, single submitter. Criteria: LabCorp Variant Classification Summary - May 2015. Collection method: clinical testing. Allele origin: germline.
Comment: Variant summary: MYH6 c.1958A>C (p.His653Pro) results in a non-conservative amino acid change located in the Myosin lLarge ATPases domain (IPR001609) of the encoded protein sequence. Five of five in-silico tools predict a damaging effect of the variant on protein function. The variant was absent in 251476 control chromosomes. The available data on variant occurrences in the general population are insufficient to allow any conclusion about variant significance. To our knowledge, no occurrence of c.1958A>C in individuals affected with Cardiomyopathy and no experimental evidence demonstrating its impact on protein function have been reported. ClinVar contains an entry for this variant (Variation ID: 854525). Based on the evidence outlined above, the variant was classified as uncertain significance.

NM_002471.4(MYH6):c.1958A>C (p.His653Pro)

Gene: MYH6 (myosin heavy chain 6; minus strand). Cytogenetic location: 14q11.2.
Variant type: single nucleotide variant.
Coding change: c.1958A>C on transcript NM_002471.4 (MANE Select); coding-DNA position 1958, A replaced by C.
Protein change: p.His653Pro; replaces histidine 653 with proline.
Molecular consequence: missense variant.
Genome position (GRCh38, 1-based): chr14:23,397,547, T>G on the plus strand (A>C on the coding strand, the complement: MYH6 is on the minus strand). VCF-style: chr14-23397547-T-G. GRCh37 (hg19) VCF-style: chr14-23866756-T-G.
Other names: short protein forms H653P.
Identifiers: ClinVar variation 854525 (VCV000854525.10), dbSNP rs201219066, ClinGen allele CA257791216.